The following is an entry in ClinVar:

NM_017654.4(SAMD9):c.1800_1801del (p.Glu600fs)

Gene: SAMD9 (sterile alpha motif domain containing 9; minus strand). Cytogenetic location: 7q21.2.
Variant type: Deletion.
Coding change: c.1800_1801del on transcript NM_017654.4 (MANE Select); coding-DNA positions 1800 to 1801, 2 bases deleted (AA; older notation c.1800_1801delAA).
Protein change: p.Glu600fs; shifts the reading frame from glutamic acid 600.
Molecular consequence: frameshift variant.
Genome position (GRCh38, 1-based): chr7:93,104,297-93,104,298, TT deleted on the plus strand (AA on the coding strand, the reverse complement: SAMD9 is on the minus strand); deleting any 2 consecutive bases within chr7:93,104,297-93,104,299 gives the same sequence; the c. name uses the placement nearest the transcript's 3' end. VCF-style (leftmost placement, unchanged base first): chr7-93104296-ATT-A. GRCh37 (hg19) VCF-style: chr7-92733609-ATT-A.
Other names: c.1800_1801del (NM_017654.3); c.1800_1801del, p.Glu600fs (NM_001193307.2); short protein forms E600fs.
Identifiers: ClinVar variation 554815 (VCV000554815.25), dbSNP rs375515095, ClinGen allele CA4342929.

ClinVar aggregate classification (germline): Conflicting classifications of pathogenicity. Review status: criteria provided, conflicting classifications (1 of 4 stars). 8 submissions from 8 submitters: Uncertain significance (3); Benign (1); Likely benign (2). 2 of the submissions do not count toward it. Last evaluated 2026-02-02.

Conditions:
Normophosphatemic familial tumoral calcinosis. Also called: CALCINOSIS, TUMORAL, WITH NORMOPHOSPHATEMIA. Identifiers: Orphanet 306658, Orphanet 53715, MedGen C1864861, MONDO:0012502, OMIM 610455.
SAMD9-related disorder. Also called: SAMD9-related condition.

Submissions (8):

Labcorp Genetics (formerly Invitae), Labcorp
Classification: Likely benign. Last evaluated: 2026-02-02. Review status: criteria provided, single submitter. Criteria: Invitae Variant Classification Sherloc (09022015). Collection method: clinical testing. Allele origin: germline.

Revvity Omics, Revvity
Classification: Uncertain significance. Last evaluated: 2025-04-02. Review status: criteria provided, single submitter. Criteria: ACMG Guidelines, 2015. Collection method: clinical testing. Allele origin: germline.

GeneDx
Classification: Uncertain significance. Last evaluated: 2025-03-18. Review status: criteria provided, single submitter. Criteria: GeneDx Variant Classification Process June 2021. Collection method: clinical testing. Allele origin: germline. Affected: yes.
Comment: Frameshift variant predicted to result in abnormal protein length as the last 990 amino acids are replaced with 11 different amino acids with an unclear effect on protein function; Has not been previously published as pathogenic or benign to our knowledge; This variant is associated with the following publications: (PMID: 28346228, 28545555)

Blueprint Genetics
Classification: Benign. Last evaluated: 2024-08-09. Review status: criteria provided, single submitter. Criteria: ACMG Guidelines, 2015. Collection method: clinical testing. Allele origin: germline.

Mendelics
Classification: Uncertain significance. Last evaluated: 2022-05-04. Review status: criteria provided, single submitter. Criteria: Mendelics Assertion Criteria 2019. Collection method: clinical testing. Allele origin: germline.

Genetic Services Laboratory, University of Chicago
Classification: Likely benign. Last evaluated: 2020-10-26. Review status: criteria provided, single submitter. Criteria: ACMG Guidelines, 2015. Collection method: clinical testing. Allele origin: germline. Affected: no.

PreventionGenetics, part of Exact Sciences
Classification: Uncertain significance for SAMD9-related condition. Last evaluated: 2023-12-19. Review status: no assertion criteria provided. Collection method: clinical testing. Allele origin: germline. Not counted in ClinVar's aggregate classification.
Comment: The SAMD9 c.1800_1801delAA variant is predicted to result in a frameshift and premature protein termination (p.Glu600Aspfs*12). To our knowledge, this variant has not been reported in the literature. This variant is reported in 0.78% of alleles in individuals of African descent in gnomAD. This variant has been reported with conflicting interpretations regarding its pathogenicity in ClinVar, ranging from likely benign to uncertain. Although we suspect that this variant is likely benign, at this time, the clinical significance of this variant is uncertain due to the absence of conclusive functional and genetic evidence.

Counsyl
Classification: Uncertain significance for Normophosphatemic familial tumoral calcinosis. Last evaluated: 2017-11-03. Review status: no assertion criteria provided. Collection method: clinical testing. Allele origin: unknown. Not counted in ClinVar's aggregate classification.

Literature cited by the submitters: PubMed 28346228 (cited by Counsyl).